The following is an entry in ClinVar:

ClinVar aggregate classification (germline): Conflicting classifications of pathogenicity. Review status: criteria provided, conflicting classifications (1 of 4 stars). 2 submissions from 2 submitters: Uncertain significance (1); Likely benign (1). Last evaluated 2025-09-29.

Conditions:
Oligodontia-cancer predisposition syndrome. Also called: TOOTH AGENESIS-COLORECTAL CANCER SYNDROME. Identifiers: Orphanet 300576, MedGen C1837750, MONDO:0012075, OMIM 608615. Disease mechanism: loss of function.
Hereditary cancer-predisposing syndrome. Also called: Neoplastic Syndromes, Hereditary; Tumor predisposition; Hereditary neoplastic syndrome; Hereditary Cancer Syndrome. Identifiers: Orphanet 140162, MedGen C0027672, MeSH D009386, MONDO:0015356.

Submissions (2):

Ambry Genetics
Classification: Likely benign for Hereditary cancer-predisposing syndrome. Last evaluated: 2025-09-29. Review status: criteria provided, single submitter. Criteria: Ambry Variant Classification Scheme 2023. Collection method: clinical testing. Allele origin: germline.

Labcorp Genetics (formerly Invitae), Labcorp
Classification: Uncertain significance for Oligodontia-cancer predisposition syndrome. Last evaluated: 2025-08-25. Review status: criteria provided, single submitter. Criteria: Invitae Variant Classification Sherloc (09022015). Collection method: clinical testing. Allele origin: germline.
Comment: This sequence change replaces methionine, which is neutral and non-polar, with isoleucine, which is neutral and non-polar, at codon 189 of the AXIN2 protein (p.Met189Ile). This variant is not present in population databases (gnomAD no frequency). This variant has not been reported in the literature in individuals affected with AXIN2-related conditions. ClinVar contains an entry for this variant (Variation ID: 2451655). Invitae Evidence Modeling of protein sequence and biophysical properties (such as structural, functional, and spatial information, amino acid conservation, physicochemical variation, residue mobility, and thermodynamic stability) indicates that this missense variant is expected to disrupt AXIN2 protein function with a positive predictive value of 80%. In summary, the available evidence is currently insufficient to determine the role of this variant in disease. Therefore, it has been classified as a Variant of Uncertain Significance.

NM_004655.4(AXIN2):c.567G>C (p.Met189Ile)

Gene: AXIN2 (axin 2; minus strand). Cytogenetic location: 17q24.1.
Variant type: single nucleotide variant.
Coding change: c.567G>C on transcript NM_004655.4 (MANE Select); coding-DNA position 567, G replaced by C.
Protein change: p.Met189Ile; replaces methionine 189 with isoleucine.
Molecular consequence: missense variant.
Genome position (GRCh38, 1-based): chr17:65,558,054, C>G on the plus strand (G>C on the coding strand, the complement: AXIN2 is on the minus strand). VCF-style: chr17-65558054-C-G. GRCh37 (hg19) VCF-style: chr17-63554172-C-G.
Other names: c.567G>C, p.Met189Ile (NM_001363813.1); short protein forms M189I.
Identifiers: ClinVar variation 2451655 (VCV002451655.4), dbSNP rs762082964, ClinGen allele CA293107164.